The following is an entry in ClinVar:

ClinVar aggregate classification (germline): Uncertain significance (1 of 4 stars; one submission).

Submission:

Labcorp Genetics (formerly Invitae), Labcorp
Classification: Uncertain significance. Last evaluated: 2023-08-04. Review status: criteria provided, single submitter. Criteria: Invitae Variant Classification Sherloc (09022015). Collection method: clinical testing. Allele origin: germline.
Comment: In summary, the available evidence is currently insufficient to determine the role of this variant in disease. Therefore, it has been classified as a Variant of Uncertain Significance. An algorithm developed to predict the effect of missense changes on protein structure and function (PolyPhen-2) suggests that this variant is likely to be disruptive. ClinVar contains an entry for this variant (Variation ID: 1471369). This variant has not been reported in the literature in individuals affected with UNC80-related conditions. This variant is not present in population databases (gnomAD no frequency). This sequence change replaces arginine, which is basic and polar, with lysine, which is basic and polar, at codon 471 of the UNC80 protein (p.Arg471Lys).

NM_001371986.1(UNC80):c.1412G>A (p.Arg471Lys)

Gene: UNC80 (unc-80 subunit of NALCN channel complex; plus strand). Cytogenetic location: 2q34.
Variant type: single nucleotide variant.
Coding change: c.1412G>A on transcript NM_001371986.1 (MANE Select); coding-DNA position 1412, G replaced by A.
Protein change: p.Arg471Lys; replaces arginine 471 with lysine.
Molecular consequence: missense variant.
Genome position (GRCh38, 1-based): chr2:209,816,985, G>A. VCF-style: chr2-209816985-G-A. GRCh37 (hg19) VCF-style: chr2-210681709-G-A.
Other names: c.1412G>A, p.Arg471Lys (NM_032504.2, NM_182587.4); short protein forms R471K.
Identifiers: ClinVar variation 1471369 (VCV001471369.8), dbSNP rs2153827549, ClinGen allele CA350134548.